The following is an entry in ClinVar:

NM_001103.4(ACTN2):c.791C>A (p.Thr264Lys)

Gene: ACTN2 (actinin alpha 2; plus strand). Cytogenetic location: 1q43.
Variant type: single nucleotide variant.
Coding change: c.791C>A on transcript NM_001103.4 (MANE Select); coding-DNA position 791, C replaced by A.
Protein change: p.Thr264Lys; replaces threonine 264 with lysine.
Molecular consequence: missense variant. On other transcripts: non-coding transcript variant (1).
Genome position (GRCh38, 1-based): chr1:236,737,129, C>A. VCF-style: chr1-236737129-C-A. GRCh37 (hg19) VCF-style: chr1-236900429-C-A.
Other names: c.791C>A, p.Thr264Lys (NM_001278343.2); c.167C>A, p.Thr56Lys (NM_001278344.2); c.41C>A, p.Thr14Lys (NM_001412150.1); short protein forms T14K, T264K, T56K.
Identifiers: ClinVar variation 2921827 (VCV002921827.3), dbSNP rs2527591832, ClinGen allele CA345378781.

ClinVar aggregate classification (germline): Uncertain significance (1 of 4 stars; one submission).

Conditions:
Dilated cardiomyopathy 1AA (CMD1AA). Also called: Cardiomyopathy, dilated, 1AA, with or without LVNC; CARDIOMYOPATHY, DILATED, 1AA, WITH OR WITHOUT LEFT VENTRICULAR NONCOMPACTION; CARDIOMYOPATHY, FAMILIAL HYPERTROPHIC, 23, WITH OR WITHOUT LEFT VENTRICULAR NONCOMPACTION. Identifiers: Orphanet 154, MedGen C2677338, MONDO:0012808, OMIM 612158.
Primary familial hypertrophic cardiomyopathy (HCM). Identifiers: Orphanet 99739, MedGen C0949658, MeSH D024741, MONDO:0024573. Inheritance: Various modes of inheritance.

Submission:

Labcorp Genetics (formerly Invitae), Labcorp
Classification: Uncertain significance for Primary familial hypertrophic cardiomyopathy; Dilated cardiomyopathy 1AA. Last evaluated: 2023-12-30. Review status: criteria provided, single submitter. Criteria: Invitae Variant Classification Sherloc (09022015). Collection method: clinical testing. Allele origin: germline.
Comment: This sequence change replaces threonine, which is neutral and polar, with lysine, which is basic and polar, at codon 264 of the ACTN2 protein (p.Thr264Lys). This variant is not present in population databases (gnomAD no frequency). This variant has not been reported in the literature in individuals affected with ACTN2-related conditions. Advanced modeling of protein sequence and biophysical properties (such as structural, functional, and spatial information, amino acid conservation, physicochemical variation, residue mobility, and thermodynamic stability) performed at Invitae indicates that this missense variant is not expected to disrupt ACTN2 protein function with a negative predictive value of 80%. In summary, the available evidence is currently insufficient to determine the role of this variant in disease. Therefore, it has been classified as a Variant of Uncertain Significance.